The following is an entry in ClinVar:

ClinVar aggregate classification (germline): Uncertain significance (0 of 4 stars; one submission).

Conditions:
BBS9-related disorder. Also called: BBS9-related condition.

Submission:

PreventionGenetics, part of Exact Sciences
Classification: Uncertain significance for BBS9-related condition. Last evaluated: 2024-05-22. Review status: no assertion criteria provided. Collection method: clinical testing. Allele origin: germline.
Comment: The BBS9 c.1047T>A variant is predicted to result in the amino acid substitution p.Ser349Arg. To our knowledge, this variant has not been reported in the literature or in a large population database, indicating this variant is rare. At this time, the clinical significance of this variant is uncertain due to the absence of conclusive functional and genetic evidence.

NM_198428.3(BBS9):c.1047T>A (p.Ser349Arg)

Gene: BBS9 (Bardet-Biedl syndrome 9; plus strand). Cytogenetic location: 7p14.3.
Variant type: single nucleotide variant.
Coding change: c.1047T>A on transcript NM_198428.3 (MANE Select); coding-DNA position 1047, T replaced by A.
Protein change: p.Ser349Arg; replaces serine 349 with arginine.
Molecular consequence: missense variant. On other transcripts: non-coding transcript variant (3).
Genome position (GRCh38, 1-based): chr7:33,336,471, T>A. VCF-style: chr7-33336471-T-A. GRCh37 (hg19) VCF-style: chr7-33376083-T-A.
Other names: c.1047T>A, p.Ser349Arg (NM_001033604.2, NM_001033605.2, NM_001348036.1 and 5 more transcripts); c.681T>A, p.Ser227Arg (NM_001348037.3, NM_001348044.3, NM_001348045.3 and 1 more transcripts); c.774T>A, p.Ser258Arg (NM_001348038.3, NM_001348039.3); c.912T>A, p.Ser304Arg (NM_001348042.3); short protein forms S227R, S258R, S304R, S349R.
Identifiers: ClinVar variation 3346206 (VCV003346206.1).
Genomic context (GRCh38, chr7:33,336,471, plus strand): 5'-TTATGTCTCATTTTCTCTTCCTTATTGTAGTGATTTAAAGGGAGTGATAGTCACTCTGAG[T>A]GATGATGGTCACTTGCAGTGTTCATACCTGGGGACAGATCCTTCTCTGTTCCAAGCTCCA-3'
Protein context (NP_940820.1, residues 339-359): HDLKGVIVTL[Ser349Arg]DDGHLQCSYL